The following is an entry in ClinVar:

ClinVar aggregate classification (germline): Benign. Review status: criteria provided, multiple submitters, no conflicts (2 of 4 stars). 4 submissions from 4 submitters: Benign (3). 1 of the submissions does not count toward it. Last evaluated 2025-03-01.

Conditions:
PLXNA4-related disorder. Also called: PLXNA4-related condition.

Allele frequency attached by ClinVar (database versions not stated): 1000 Genomes Project 0.00679; 1000 Genomes Project 30x 0.00750; gnomAD 0.00891 and 0.00900; ExAC 0.00972; gnomAD exomes 0.01011 and 0.01119; TOPMed 0.01014; ESP Exome Variant Server 0.01023.
gnomAD v4.1: 17,874 of 1,613,554 alleles (1.1%); highest among the groups gnomAD compares: Middle Eastern, 4.2%; 140 homozygotes.

Submissions (4):

CeGaT Center for Human Genetics Tuebingen
Classification: Benign. Last evaluated: 2025-03-01. Review status: criteria provided, single submitter. Criteria: CeGaT Center For Human Genetics Tuebingen Variant Classification Criteria Version 2. Collection method: clinical testing. Allele origin: germline. Affected: yes. Observed: 1 variant allele.
Comment: PLXNA4: BP4, BS1, BS2

Labcorp Genetics (formerly Invitae), Labcorp
Classification: Benign. Last evaluated: 2019-12-31. Review status: criteria provided, single submitter. Criteria: Invitae Variant Classification Sherloc (09022015). Collection method: clinical testing. Allele origin: germline.

Breakthrough Genomics
Classification: Benign. Review status: criteria provided, single submitter. Criteria: ACMG Guidelines, 2015. Collection method: not provided. Allele origin: germline. Inheritance: Unknown mechanism. Affected: yes.

PreventionGenetics, part of Exact Sciences
Classification: Benign for PLXNA4-related condition. Last evaluated: 2023-01-03. Review status: no assertion criteria provided. Collection method: clinical testing. Allele origin: germline. Not counted in ClinVar's aggregate classification.
Comment: This variant is classified as benign based on ACMG/AMP sequence variant interpretation guidelines (Richards et al. 2015 PMID: 25741868, with internal and published modifications).

NM_020911.2(PLXNA4):c.4500+8C>T

Gene: PLXNA4 (plexin A4; minus strand). Cytogenetic location: 7q32.3.
Variant type: single nucleotide variant.
Coding change: c.4500+8C>T on transcript NM_020911.2 (MANE Select); 8 bases into the intron after coding-DNA position 4500, C replaced by T.
Molecular consequence: intron variant.
Genome position (GRCh38, 1-based): chr7:132,164,134, G>A on the plus strand (C>T on the coding strand, the complement: PLXNA4 is on the minus strand). VCF-style: chr7-132164134-G-A. GRCh37 (hg19) VCF-style: chr7-131848893-G-A.
Other names: c.4500+8C>T (NM_001393897.1).
Identifiers: ClinVar variation 770744 (VCV000770744.14), dbSNP rs113388134, ClinGen allele CA4489181.